The following is an entry in ClinVar:

ClinVar aggregate classification (germline): Uncertain significance (1 of 4 stars; one submission).

Submission:

GeneDx
Classification: Uncertain significance. Last evaluated: 2025-05-23. Review status: criteria provided, single submitter. Criteria: GeneDx Variant Classification Process June 2021. Collection method: clinical testing. Allele origin: germline. Affected: yes.
Comment: Not observed at significant frequency in large population cohorts (gnomAD); In silico analysis supports that this missense variant has a deleterious effect on protein structure/function; Has not been previously published as pathogenic or benign to our knowledge

NM_016188.5(ACTL6B):c.11G>C (p.Gly4Ala)

Gene: ACTL6B (actin like 6B; minus strand). Cytogenetic location: 7q22.1.
Variant type: single nucleotide variant.
Coding change: c.11G>C on transcript NM_016188.5 (MANE Select); coding-DNA position 11, G replaced by C.
Protein change: p.Gly4Ala; replaces glycine 4 with alanine.
Molecular consequence: missense variant. On other transcripts: non-coding transcript variant (1).
Genome position (GRCh38, 1-based): chr7:100,656,344, C>G on the plus strand (G>C on the coding strand, the complement: ACTL6B is on the minus strand). VCF-style: chr7-100656344-C-G. GRCh37 (hg19) VCF-style: chr7-100253967-C-G.
Other names: short protein forms G4A.
Identifiers: ClinVar variation 4530749 (VCV004530749.1).